The following is an entry in ClinVar:

NM_052859.4(RFT1):c.1214A>G (p.Asn405Ser)

Gene: RFT1 (RFT1 glycolipid translocator homolog; minus strand). Cytogenetic location: 3p21.1.
Variant type: single nucleotide variant.
Coding change: c.1214A>G on transcript NM_052859.4 (MANE Select); coding-DNA position 1214, A replaced by G.
Protein change: p.Asn405Ser; replaces asparagine 405 with serine.
Molecular consequence: missense variant.
Genome position (GRCh38, 1-based): chr3:53,092,613, T>C on the plus strand (A>G on the coding strand, the complement: RFT1 is on the minus strand). VCF-style: chr3-53092613-T-C. GRCh37 (hg19) VCF-style: chr3-53126629-T-C.
Other names: short protein forms N405S.
Identifiers: ClinVar variation 1309222 (VCV001309222.4), dbSNP rs111924005, ClinGen allele CA74822911.
Genomic context (GRCh38, chr3:53,092,613, plus strand): 5'-CAACGGGTCAAGAGATAGGATAACACCAGGAATGAGGAGGACAGGGCCAGCATCACAAAA[T>C]TGTACCTGGGGAGGAGACAGGAAAAGGAGGGCAGTGGTGACCTTGCCCTGGACAAGGCTG-3'
Protein context (NP_443091.1, residues 395-415): AMSKEEVDRY[Asn405Ser]FVMLALSSSF

ClinVar aggregate classification (germline): Uncertain significance. Review status: criteria provided, multiple submitters, no conflicts (2 of 4 stars). 2 submissions from 2 submitters: Uncertain significance (2). Last evaluated 2024-10-07.

Conditions:
RFT1-congenital disorder of glycosylation (CDG1N). Also called: CDG In; RFT1-CDG; Congenital disorder of glycosylation type In. Identifiers: Orphanet 244310, MedGen C2677590, MONDO:0012783, OMIM 612015.

Allele frequency attached by ClinVar (database versions not stated): gnomAD exomes 0.00001; gnomAD 0.00003 and 0.00004; TOPMed 0.00003.
gnomAD v4.1: 13 of 1,610,256 alleles (0.00081%); highest among the groups gnomAD compares: Admixed American, 0.0017%; no homozygotes.

Submissions (2):

Labcorp Genetics (formerly Invitae), Labcorp
Classification: Uncertain significance for RFT1-congenital disorder of glycosylation. Last evaluated: 2024-10-07. Review status: criteria provided, single submitter. Criteria: Invitae Variant Classification Sherloc (09022015). Collection method: clinical testing. Allele origin: germline.
Comment: This sequence change replaces asparagine, which is neutral and polar, with serine, which is neutral and polar, at codon 405 of the RFT1 protein (p.Asn405Ser). The frequency data for this variant in the population databases is considered unreliable, as metrics indicate poor data quality at this position in the gnomAD database. This variant has not been reported in the literature in individuals affected with RFT1-related conditions. ClinVar contains an entry for this variant (Variation ID: 1309222). Invitae Evidence Modeling of protein sequence and biophysical properties (such as structural, functional, and spatial information, amino acid conservation, physicochemical variation, residue mobility, and thermodynamic stability) indicates that this missense variant is not expected to disrupt RFT1 protein function with a negative predictive value of 80%. In summary, the available evidence is currently insufficient to determine the role of this variant in disease. Therefore, it has been classified as a Variant of Uncertain Significance.

GeneDx
Classification: Uncertain significance. Last evaluated: 2019-10-18. Review status: criteria provided, single submitter. Criteria: GeneDx Variant Classification Process June 2021. Collection method: clinical testing. Allele origin: germline. Affected: yes.
Comment: Has not been previously published as pathogenic or benign to our knowledge; Not observed at a significant frequency in large population cohorts (Lek et al., 2016); In silico analysis, which includes protein predictors and evolutionary conservation, supports a deleterious effect